The following is an entry in ClinVar:

ClinVar aggregate classification (germline): Uncertain significance (1 of 4 stars; one submission).

Submission:

GeneDx
Classification: Uncertain significance. Last evaluated: 2026-03-11. Review status: criteria provided, single submitter. Criteria: GeneDx Variant Classification Process June 2021. Collection method: clinical testing. Allele origin: germline.
Comment: Not observed at significant frequency in large population cohorts (gnomAD); In silico analysis supports that this missense variant has a deleterious effect on protein structure/function; Has not been previously published as pathogenic or benign to our knowledge

NM_001378414.1(HDAC4):c.1328T>G (p.Leu443Arg)

Gene: HDAC4 (histone deacetylase 4; minus strand). Cytogenetic location: 2q37.3.
Variant type: single nucleotide variant.
Coding change: c.1328T>G on transcript NM_001378414.1 (MANE Select); coding-DNA position 1328, T replaced by G.
Protein change: p.Leu443Arg; replaces leucine 443 with arginine.
Molecular consequence: missense variant.
Genome position (GRCh38, 1-based): chr2:239,126,661, A>C on the plus strand (T>G on the coding strand, the complement: HDAC4 is on the minus strand). VCF-style: chr2-239126661-A-C. GRCh37 (hg19) VCF-style: chr2-240048357-A-C.
Other names: c.1328T>G, p.Leu443Arg (NM_001378415.1); c.1313T>G, p.Leu438Arg (NM_001378416.1, NM_001378417.1, NM_001435996.1 and 1 more transcripts); c.1247T>G, p.Leu416Arg (NM_001435991.1, NM_001435992.1, NM_001435994.1); c.1169T>G, p.Leu390Arg (NM_001435993.1); c.1232T>G, p.Leu411Arg (NM_001435998.1); short protein forms L411R, L416R, L438R, L443R, L390R.
Identifiers: ClinVar variation 5008959 (VCV005008959.1).